The following is an entry in ClinVar:

NC_000009.11:g.(?_367998)_(677029_?)dup

Genes: DOCK8 (dedicator of cytokinesis 8; plus strand), KANK1 (KN motif and ankyrin repeat domains 1; plus strand). Cytogenetic location: 9p24.3.
Variant type: Duplication.
Identifiers: ClinVar variation 2426084 (VCV002426084.2).

ClinVar aggregate classification (germline): Uncertain significance (1 of 4 stars; one submission).

Submission:

Labcorp Genetics (formerly Invitae), Labcorp
Classification: Uncertain significance. Last evaluated: 2022-07-06. Review status: criteria provided, single submitter. Criteria: Invitae Variant Classification Sherloc (09022015). Collection method: clinical testing. Allele origin: germline.
Comment: This variant results in a copy number gain of the genomic region encompassing exon(s) 1-2 of the KANK1 gene. This region includes the initiator codon of the gene. This copy number gain extends beyond the assayed region for this gene and therefore may encompass additional genes. As the precise location of this event is unknown, it may be in tandem or it may be located elsewhere in the genome. This variant has not been reported in the literature in individuals affected with KANK1-related conditions. In summary, the available evidence is currently insufficient to determine the role of this variant in disease. Therefore, it has been classified as a Variant of Uncertain Significance.